The following is an entry in ClinVar:

NM_006206.6(PDGFRA):c.3226A>G (p.Ile1076Val)

Gene: PDGFRA (platelet derived growth factor receptor alpha; plus strand). Cytogenetic location: 4q12.
Variant type: single nucleotide variant.
Coding change: c.3226A>G on transcript NM_006206.6 (MANE Select); coding-DNA position 3226, A replaced by G.
Protein change: p.Ile1076Val; replaces isoleucine 1076 with valine.
Molecular consequence: missense variant.
Genome position (GRCh38, 1-based): chr4:54,295,228, A>G. VCF-style: chr4-54295228-A-G. GRCh37 (hg19) VCF-style: chr4-55161395-A-G.
Other names: c.3301A>G, p.Ile1101Val (NM_001347828.2); c.3226A>G, p.Ile1076Val (NM_001347829.2); c.3265A>G, p.Ile1089Val (NM_001347830.2); short protein forms I1076V, I1089V, I1101V.
Identifiers: ClinVar variation 407439 (VCV000407439.22), dbSNP rs750465940, ClinGen allele CA2923066.

ClinVar aggregate classification (germline): Uncertain significance. Review status: criteria provided, multiple submitters, no conflicts (2 of 4 stars). 4 submissions from 4 submitters: Uncertain significance (4). Last evaluated 2025-09-25.

Conditions:
Hereditary cancer-predisposing syndrome. Also called: Neoplastic Syndromes, Hereditary; Hereditary Cancer Syndrome; Hereditary neoplastic syndrome; Tumor predisposition. Identifiers: Orphanet 140162, MedGen C0027672, MeSH D009386, MONDO:0015356.
Gastrointestinal stromal tumor. Also called: Gastrointestinal stroma tumor; Gastrointestinal stromal tumor, somatic. Identifiers: Orphanet 44890, MedGen C0238198, MeSH D046152, MONDO:0011719, OMIM 606764, HP:0100723.
Polyps, multiple and recurrent inflammatory fibroid, gastrointestinal. Identifiers: MedGen C5193005, MONDO:0008285, OMIM 175510.

Allele frequency attached by ClinVar (database versions not stated): gnomAD exomes below 0.00001; ExAC 0.00001.

Submissions (4):

Labcorp Genetics (formerly Invitae), Labcorp
Classification: Uncertain significance for Gastrointestinal stromal tumor. Last evaluated: 2025-09-25. Review status: criteria provided, single submitter. Criteria: Invitae Variant Classification Sherloc (09022015). Collection method: clinical testing. Allele origin: germline.
Comment: This sequence change replaces isoleucine, which is neutral and non-polar, with valine, which is neutral and non-polar, at codon 1076 of the PDGFRA protein (p.Ile1076Val). This variant is present in population databases (rs750465940, gnomAD 0.0009%). This variant has not been reported in the literature in individuals affected with PDGFRA-related conditions. ClinVar contains an entry for this variant (Variation ID: 407439). An algorithm developed to predict the effect of missense changes on protein structure and function (PolyPhen-2) suggests that this variant is likely to be tolerated. In summary, the available evidence is currently insufficient to determine the role of this variant in disease. Therefore, it has been classified as a Variant of Uncertain Significance.

Women's Health and Genetics/Laboratory Corporation of America, LabCorp
Classification: Uncertain significance. Last evaluated: 2025-07-16. Review status: criteria provided, single submitter. Criteria: LabCorp Variant Classification Summary - May 2015. Collection method: clinical testing. Allele origin: germline.
Comment: Variant summary: PDGFRA c.3226A>G (p.Ile1076Val) results in a conservative amino acid change in the encoded protein sequence. Algorithms developed to predict the effect of missense changes on protein structure and function are either unavailable or do not agree on the potential impact of this missense change. The variant allele was found at a frequency of 4e-06 in 251256 control chromosomes. The available data on variant occurrences in the general population are insufficient to allow any conclusion about variant significance. To our knowledge, no occurrence of c.3226A>G in individuals affected with Polyps, Multiple And Recurrent Inflammatory Fibroid, Gastrointestinal and no experimental evidence demonstrating its impact on protein function have been reported. ClinVar contains an entry for this variant (Variation ID: 407439). Based on the evidence outlined above, the variant was classified as uncertain significance.

Ambry Genetics
Classification: Uncertain significance for Hereditary cancer-predisposing syndrome. Last evaluated: 2024-05-29. Review status: criteria provided, single submitter. Criteria: Ambry Variant Classification Scheme 2023. Collection method: clinical testing. Allele origin: germline.
Comment: The p.I1076V variant (also known as c.3226A>G), located in coding exon 22 of the PDGFRA gene, results from an A to G substitution at nucleotide position 3226. The isoleucine at codon 1076 is replaced by valine, an amino acid with highly similar properties. This amino acid position is conserved. In addition, this alteration is predicted to be tolerated by in silico analysis. Since supporting evidence is limited at this time, the clinical significance of this alteration remains unclear.

Baylor Genetics
Classification: Uncertain significance for Polyps, multiple and recurrent inflammatory fibroid, gastrointestinal. Last evaluated: 2023-06-22. Review status: criteria provided, single submitter. Criteria: ACMG Guidelines, 2015. Collection method: clinical testing. Allele origin: unknown.